The following is an entry in ClinVar:

ClinVar aggregate classification (germline): Uncertain significance (1 of 4 stars; one submission).

Conditions:
Familial sleep-related hypermotor epilepsy. Also called: Autosomal Dominant Sleep-Related Hypermotor (Hyperkinetic) Epilepsy. Identifiers: Orphanet 98784, MedGen C3696898, MONDO:0000030.

Allele frequency attached by ClinVar (database versions not stated): gnomAD exomes 0.00001; TOPMed below 0.00001; ExAC 0.00001.

Submission:

Labcorp Genetics (formerly Invitae), Labcorp
Classification: Uncertain significance. Last evaluated: 2020-09-21. Review status: criteria provided, single submitter. Criteria: Invitae Variant Classification Sherloc (09022015). Collection method: clinical testing. Allele origin: germline.
Comment: Algorithms developed to predict the effect of missense changes on protein structure and function (SIFT, PolyPhen-2, Align-GVGD) all suggest that this variant is likely to be tolerated, but these predictions have not been confirmed by published functional studies and their clinical significance is uncertain. In summary, the available evidence is currently insufficient to determine the role of this variant in disease. Therefore, it has been classified as a Variant of Uncertain Significance. This variant has not been reported in the literature in individuals with CHRNB2-related disease. This variant is present in population databases (rs768297928, ExAC 0.001%). This sequence change replaces arginine with histidine at codon 180 of the CHRNB2 protein (p.Arg180His). The arginine residue is moderately conserved and there is a small physicochemical difference between arginine and histidine.

NM_000748.3(CHRNB2):c.539G>A (p.Arg180His)

Gene: CHRNB2 (cholinergic receptor nicotinic beta 2 subunit; plus strand). Cytogenetic location: 1q21.3.
Variant type: single nucleotide variant.
Coding change: c.539G>A on transcript NM_000748.3 (MANE Select); coding-DNA position 539, G replaced by A.
Protein change: p.Arg180His; replaces arginine 180 with histidine.
Molecular consequence: missense variant.
Genome position (GRCh38, 1-based): chr1:154,571,362, G>A. VCF-style: chr1-154571362-G-A. GRCh37 (hg19) VCF-style: chr1-154543838-G-A.
Other names: short protein forms R180H.
Identifiers: ClinVar variation 574588 (VCV000574588.8), dbSNP rs768297928, ClinGen allele CA1130743.